The following is an entry in ClinVar:

ClinVar aggregate classification (germline): Likely benign. Review status: criteria provided, multiple submitters, no conflicts (2 of 4 stars). 4 submissions from 4 submitters: Likely benign (4). Last evaluated 2026-01-19.

Conditions:
Aortic aneurysm, familial thoracic 6 (AAT6). Also called: FAMILIAL THORACIC AORTIC ANEURYSM WITH LIVEDO RETICULARIS AND IRIS FLOCCULI. Identifiers: MedGen C2673186, MONDO:0012730, OMIM 611788.
Familial thoracic aortic aneurysm and aortic dissection (TAAD). Also called: Thoracic aortic aneurysms and dissections. Identifiers: Orphanet 91387, MedGen C4707243, MONDO:0019625.

Submissions (4):

Labcorp Genetics (formerly Invitae), Labcorp
Classification: Likely benign for Aortic aneurysm, familial thoracic 6. Last evaluated: 2026-01-19. Review status: criteria provided, single submitter. Criteria: Invitae Variant Classification Sherloc (09022015). Collection method: clinical testing. Allele origin: germline.

Ambry Genetics
Classification: Likely benign for Familial thoracic aortic aneurysm and aortic dissection. Last evaluated: 2024-05-19. Review status: criteria provided, single submitter. Criteria: Ambry Variant Classification Scheme 2023. Collection method: clinical testing. Allele origin: germline.

All of Us Research Program, National Institutes of Health
Classification: Likely benign for Familial thoracic aortic aneurysm and aortic dissection. Last evaluated: 2023-12-13. Review status: criteria provided, single submitter. Criteria: ACMG Guidelines, 2015. Collection method: clinical testing. Allele origin: germline. Inheritance: Autosomal dominant inheritance. Observed: 2 variant alleles, 2 heterozygotes.
Comment: This study involves interpretation of variants in research participants for the purpose of population health screening. Participant phenotype was not available at the time of variant classification. Additional details can be found in publication PMID: 35346344, PMCID: PMC8962531

Color Diagnostics, LLC DBA Color Health
Classification: Likely benign for Familial thoracic aortic aneurysm and aortic dissection. Last evaluated: 2022-01-26. Review status: criteria provided, single submitter. Criteria: ACMG Guidelines, 2015. Collection method: clinical testing. Allele origin: germline.

NM_001613.4(ACTA2):c.672C>T (p.Asp224=)

Genes: ACTA2 (actin alpha 2, smooth muscle; minus strand), ACTA2-AS1 (ACTA2 antisense RNA 1; plus strand). Cytogenetic location: 10q23.31.
Variant type: single nucleotide variant.
Coding change: c.672C>T on transcript NM_001613.4 (MANE Select); coding-DNA position 672, C replaced by T.
Protein change: p.Asp224=; no amino-acid change (aspartic acid 224 retained).
Molecular consequence: synonymous variant. On other transcripts: non-coding transcript variant (1), intron variant (1).
Genome position (GRCh38, 1-based): chr10:88,939,643, G>A on the plus strand (C>T on the coding strand, the complement: ACTA2 is on the minus strand). VCF-style: chr10-88939643-G-A. GRCh37 (hg19) VCF-style: chr10-90699400-G-A.
Other names: c.672C>T, p.Asp224= (NM_001141945.3, NM_001320855.2, NM_001406462.1 and 2 more transcripts); c.561C>T, p.Asp187= (NM_001406466.1); c.543C>T, p.Asp181= (NM_001406467.1, NM_001406468.1, NM_001406469.1); c.617-1401C>T (NM_001406471.1).
Identifiers: ClinVar variation 698692 (VCV000698692.15), dbSNP rs745719583, ClinGen allele CA029206.